The following is an entry in ClinVar:

NM_001029896.2(WDR45):c.200del (p.Gly67fs)

Genes: WDR45 (WD repeat domain 45; minus strand), LOC126863256 (BRD4-independent group 4 enhancer GRCh37_chrX:48934848-48936047; plus strand). Cytogenetic location: Xp11.23.
Variant type: Deletion.
Coding change: c.200del on transcript NM_001029896.2 (MANE Select); coding-DNA position 200, one base deleted (G; older notation c.200delG).
Protein change: p.Gly67fs; shifts the reading frame from glycine 67.
Molecular consequence: frameshift variant.
Genome position (GRCh38, 1-based): chrX:49,077,678, C deleted on the plus strand (G on the coding strand, the reverse complement: WDR45 is on the minus strand); the first of 3 consecutive C bases (chrX:49,077,678-49,077,680); deleting any one gives the same sequence. VCF-style (leftmost placement, unchanged base first): chrX-49077677-GC-G. GRCh37 (hg19) VCF-style: chrX-48935336-GC-G.
Other names: c.200del, p.Gly67fs (NM_007075.4); short protein forms G67fs.
Identifiers: ClinVar variation 2704412 (VCV002704412.3), dbSNP rs2520266230, ClinGen allele CA2697553103.

ClinVar aggregate classification (germline): Pathogenic (1 of 4 stars; one submission).

Conditions:
Neurodegeneration with brain iron accumulation 5 (NBIA5). Also called: STATIC ENCEPHALOPATHY OF CHILDHOOD WITH NEURODEGENERATION IN ADULTHOOD; Beta-propeller protein-associated neurodegeneration. Identifiers: Orphanet 329284, MedGen C3550973, MONDO:0010476, OMIM 300894.

Submission:

Labcorp Genetics (formerly Invitae), Labcorp
Classification: Pathogenic for Neurodegeneration with brain iron accumulation 5. Last evaluated: 2023-12-20. Review status: criteria provided, single submitter. Criteria: Invitae Variant Classification Sherloc (09022015). Collection method: clinical testing. Allele origin: germline.
Comment: This sequence change creates a premature translational stop signal (p.Gly67Alafs*15) in the WDR45 gene. It is expected to result in an absent or disrupted protein product. Loss-of-function variants in WDR45 are known to be pathogenic (PMID: 23176820, 24368176, 24621584, 25744623, 26790960, 27030146, 27652284, 28554332). This variant is not present in population databases (gnomAD no frequency). This variant has not been reported in the literature in individuals affected with WDR45-related conditions. For these reasons, this variant has been classified as Pathogenic.

Literature cited by the submitters: PubMed 23176820; PubMed 24368176; PubMed 24621584; PubMed 25744623; PubMed 26790960; PubMed 27030146; PubMed 27652284; PubMed 28554332.